The following is an entry in ClinVar:

ClinVar aggregate classification (germline): Uncertain significance (1 of 4 stars; one submission).

Conditions:
Agammaglobulinemia 4, autosomal recessive (AGM4). Also called: AGAMMAGLOBULINEMIA, AUTOSOMAL RECESSIVE, DUE TO BLNK DEFECT; B cell linker protein deficiency. Identifiers: MedGen C3150752, MONDO:0013289, OMIM 613502.

Submission:

Labcorp Genetics (formerly Invitae), Labcorp
Classification: Uncertain significance for Agammaglobulinemia 4, autosomal recessive. Last evaluated: 2025-11-24. Review status: criteria provided, single submitter. Criteria: Invitae Variant Classification Sherloc (09022015). Collection method: clinical testing. Allele origin: germline.
Comment: This sequence change replaces cysteine, which is neutral and slightly polar, with tyrosine, which is neutral and polar, at codon 271 of the BLNK protein (p.Cys271Tyr). This variant is not present in population databases (gnomAD no frequency). This variant has not been reported in the literature in individuals affected with BLNK-related conditions. ClinVar contains an entry for this variant (Variation ID: 1384988). Invitae Evidence Modeling of protein sequence and biophysical properties (such as structural, functional, and spatial information, amino acid conservation, physicochemical variation, residue mobility, and thermodynamic stability) indicates that this missense variant is not expected to disrupt BLNK protein function with a negative predictive value of 80%. In summary, the available evidence is currently insufficient to determine the role of this variant in disease. Therefore, it has been classified as a Variant of Uncertain Significance.

NM_013314.4(BLNK):c.812G>A (p.Cys271Tyr)

Gene: BLNK (B cell linker; minus strand). Cytogenetic location: 10q24.1.
Variant type: single nucleotide variant.
Coding change: c.812G>A on transcript NM_013314.4 (MANE Select); coding-DNA position 812, G replaced by A.
Protein change: p.Cys271Tyr; replaces cysteine 271 with tyrosine.
Molecular consequence: missense variant. On other transcripts: non-coding transcript variant (4).
Genome position (GRCh38, 1-based): chr10:96,207,016, C>T on the plus strand (G>A on the coding strand, the complement: BLNK is on the minus strand). VCF-style: chr10-96207016-C-T. GRCh37 (hg19) VCF-style: chr10-97966772-C-T.
Other names: c.743G>A, p.Cys248Tyr (NM_001114094.2, NM_001258441.2); c.812G>A, p.Cys271Tyr (NM_001258440.2); c.497G>A, p.Cys166Tyr (NM_001258442.2); short protein forms C271Y, C166Y, C248Y.
Identifiers: ClinVar variation 1384988 (VCV001384988.8), dbSNP rs782250398, ClinGen allele CA377720609.